The following is an entry in ClinVar:

ClinVar aggregate classification (germline): Likely benign. Review status: criteria provided, single submitter (1 of 4 stars). 2 submissions from 2 submitters: Likely benign (1). 1 of the submissions does not count toward it. Last evaluated 2024-12-12.

Conditions:
SLC25A42-related disorder. Also called: SLC25A42-related condition.

Allele frequency attached by ClinVar (database versions not stated): TOPMed 0.00002; ExAC 0.00003; gnomAD 0.00003; 1000 Genomes Project 30x 0.00016; 1000 Genomes Project 0.00020.
gnomAD v4.1: 12 of 1,613,924 alleles (0.00074%); highest among the groups gnomAD compares: Admixed American, 0.0083%; no homozygotes.

Submissions (2):

Labcorp Genetics (formerly Invitae), Labcorp
Classification: Likely benign. Last evaluated: 2024-12-12. Review status: criteria provided, single submitter. Criteria: Invitae Variant Classification Sherloc (09022015). Collection method: clinical testing. Allele origin: germline.

PreventionGenetics, part of Exact Sciences
Classification: Likely benign for SLC25A42-related condition. Last evaluated: 2021-11-05. Review status: no assertion criteria provided. Collection method: clinical testing. Allele origin: germline. Not counted in ClinVar's aggregate classification.
Comment: This variant is classified as likely benign based on ACMG/AMP sequence variant interpretation guidelines (Richards et al. 2015 PMID: 25741868, with internal and published modifications).

NM_178526.5(SLC25A42):c.114G>C (p.Leu38=)

Gene: SLC25A42 (solute carrier family 25 member 42; plus strand). Cytogenetic location: 19p13.11.
Variant type: single nucleotide variant.
Coding change: c.114G>C on transcript NM_178526.5 (MANE Select); coding-DNA position 114, G replaced by C.
Protein change: p.Leu38=; no amino-acid change (leucine 38 retained).
Molecular consequence: synonymous variant.
Genome position (GRCh38, 1-based): chr19:19,101,813, G>C. VCF-style: chr19-19101813-G-C. GRCh37 (hg19) VCF-style: chr19-19212622-G-C.
Other names: c.114G>C (NM_178526.4); c.114G>C, p.Leu38= (NM_001321544.2).
Identifiers: ClinVar variation 1922847 (VCV001922847.7), dbSNP rs532906962, ClinGen allele CA9321369.